The following is an entry in ClinVar:

ClinVar aggregate classification (germline): Likely pathogenic (1 of 4 stars; one submission).

Conditions:
Acute infantile liver failure due to synthesis defect of mtDNA-encoded proteins. Also called: Liver failure acute infantile; LIVER FAILURE, INFANTILE, TRANSIENT; TRMU Deficiency. Identifiers: Orphanet 217371, MedGen C3278664, MONDO:0013111, OMIM 613070.

gnomAD v4.1: 2 of 1,613,822 alleles (0.00012%); highest among the groups gnomAD compares: Admixed American, 0.0017%; no homozygotes.

Submission:

Natera, Inc.
Classification: Likely pathogenic for Acute infantile liver failure due to synthesis defect of mtDNA-encoded proteins. Last evaluated: 2026-01-26. Review status: criteria provided, single submitter. Criteria: Natera Variant Classification Schema (03/2026). Collection method: clinical testing. Allele origin: germline.
Comment: The c.1101+1G>C variant in TRMU is a canonical splice donor site variant predicted to affect pre-mRNA splicing, which may result in an abnormal transcript and altered protein product. This variant is expected to result in nonsense mediated decay, truncation, or a dysfunctional protein product. This variant is rare in the general population with a frequency below the threshold expected for the associated phenotype(s). Given the available evidence, this variant is classified as Likely Pathogenic.

NM_018006.5(TRMU):c.1101+1G>C

Gene: TRMU (tRNA mitochondrial 2-thiouridylase; plus strand). Cytogenetic location: 22q13.31.
Variant type: single nucleotide variant.
Coding change: c.1101+1G>C on transcript NM_018006.5 (MANE Select); the canonical splice donor site of the intron after coding-DNA position 1101, G replaced by C.
Molecular consequence: splice donor variant. On other transcripts: intron variant (2).
Genome position (GRCh38, 1-based): chr22:46,356,073, G>C. VCF-style: chr22-46356073-G-C. GRCh37 (hg19) VCF-style: chr22-46751970-G-C.
Other names: c.1018+485G>C (NM_001282785.2); c.759+1G>C (NM_001282782.2); c.681+1G>C (NM_001282783.2); c.598+485G>C (NM_001282784.2).
Identifiers: ClinVar variation 4815992 (VCV004815992.1).
Genomic context (GRCh38, chr22:46,356,073, plus strand): 5'-CAAGATGGCACCGTGTGGGTGACAGCTGTGCAGGCTGTGCGTGCCCTTGCCACAGGACAG[G>C]TGCGTGGGGTGTGGGGGTGAGCCCGGGGAGGACTGTACTGCTCTGCACCCTGCCAGGGCA-3'